The following is an entry in ClinVar:

ClinVar aggregate classification (germline): Uncertain significance (1 of 4 stars; one submission).

Conditions:
Autosomal dominant limb-girdle muscular dystrophy type 1G (LGMDD3). Also called: Limb-girdle muscular dystrophy, type 1G; MUSCULAR DYSTROPHY, LIMB-GIRDLE, AUTOSOMAL DOMINANT 3. Identifiers: Orphanet 55596, MedGen C1836765, MONDO:0012193, OMIM 609115.

Submission:

Labcorp Genetics (formerly Invitae), Labcorp
Classification: Uncertain significance for Autosomal dominant limb-girdle muscular dystrophy type 1G. Last evaluated: 2025-08-16. Review status: criteria provided, single submitter. Criteria: Invitae Variant Classification Sherloc (09022015). Collection method: clinical testing. Allele origin: germline.
Comment: This sequence change falls in intron 5 of the HNRNPDL gene. It does not directly change the encoded amino acid sequence of the HNRNPDL protein. It affects a nucleotide within the consensus splice site. This variant is not present in population databases (gnomAD no frequency). This variant has not been reported in the literature in individuals affected with HNRNPDL-related conditions. Variants that disrupt the consensus splice site are a relatively common cause of aberrant splicing (PMID: 17576681, 9536098). Algorithms developed to predict the effect of sequence changes on RNA splicing suggest that this variant may create or strengthen a splice site. In summary, the available evidence is currently insufficient to determine the role of this variant in disease. Therefore, it has been classified as a Variant of Uncertain Significance.

Literature cited by the submitters: PubMed 17576681; PubMed 9536098.

NM_031372.4(HNRNPDL):c.1021+5G>A

Gene: HNRNPDL (heterogeneous nuclear ribonucleoprotein D like; minus strand). Cytogenetic location: 4q21.22.
Variant type: single nucleotide variant.
Coding change: c.1021+5G>A on transcript NM_031372.4 (MANE Select); 5 bases into the intron after coding-DNA position 1021, G replaced by A.
Molecular consequence: intron variant.
Genome position (GRCh38, 1-based): chr4:82,427,185, C>T on the plus strand (G>A on the coding strand, the complement: HNRNPDL is on the minus strand). VCF-style: chr4-82427185-C-T. GRCh37 (hg19) VCF-style: chr4-83348338-C-T.
Other names: c.1021+5G>A (NM_001207000.1).
Identifiers: ClinVar variation 4765298 (VCV004765298.1).
Genomic context (GRCh38, chr4:82,427,185, plus strand): 5'-ACTCATATTCAGCAGTATACAGCTTAAATAAACCACGGAGTCATATTTCAAGAATTAAGT[C>T]TCACCTCGGCCACGACCCCTCGTACCACCTCGTCCACCAGCTGCAGCACCTCTTCCACCT-3'